The following is an entry in ClinVar:

ClinVar aggregate classification (germline): Likely benign. Review status: criteria provided, multiple submitters, no conflicts (2 of 4 stars). 4 submissions from 4 submitters: Likely benign (4). Last evaluated 2026-02-09.

Conditions:
Dilated cardiomyopathy 1G (CMD1G). Identifiers: Orphanet 154, MedGen C1858763, MONDO:0011400, OMIM 604145.
Autosomal recessive limb-girdle muscular dystrophy type 2J (LGMDR10). Also called: Limb-girdle muscular dystrophy, type 2J; MUSCULAR DYSTROPHY, LIMB-GIRDLE, AUTOSOMAL RECESSIVE 10. Identifiers: Orphanet 140922, MedGen C1837342, MONDO:0012127, OMIM 608807.

Allele frequency attached by ClinVar (database versions not stated): gnomAD exomes 0.00001 and 0.00002; ExAC 0.00002; gnomAD 0.00002 and 0.00003; TOPMed 0.00003.
gnomAD v4.1: 26 of 1,613,392 alleles (0.0016%); highest among the groups gnomAD compares: Admixed American, 0.0017%; no homozygotes.

Submissions (4):

Women's Health and Genetics/Laboratory Corporation of America, LabCorp
Classification: Likely benign. Last evaluated: 2026-02-09. Review status: criteria provided, single submitter. Criteria: LabCorp Variant Classification Summary - May 2015. Collection method: clinical testing. Allele origin: germline.
Comment: Variant summary: TTN c.91+14T>C alters a non-conserved nucleotide located at a position not widely known to affect splicing. Consensus agreement among computation tools predict no significant impact on normal splicing. However, these predictions have yet to be confirmed by functional studies. The variant allele was found at a frequency of 1.2e-05 in 250428 control chromosomes. The available data on variant occurrences in the general population are insufficient to allow any conclusion about variant significance. c.91+14T>C has been observed in individual(s) affected with Dilated Cardiomyopathy who had another genetic cause for disease in a different gene (example, Pugh_2014). These report(s) do not provide unequivocal conclusions about association of the variant with Dilated Cardiomyopathy. To our knowledge, no experimental evidence demonstrating an impact on protein function has been reported. The following publication has been ascertained in the context of this evaluation (PMID: 24503780). ClinVar contains an entry for this variant (Variation ID: 47606). Based on the evidence outlined above, the variant was classified as likely benign.

Labcorp Genetics (formerly Invitae), Labcorp
Classification: Likely benign for Dilated cardiomyopathy 1G; Autosomal recessive limb-girdle muscular dystrophy type 2J. Last evaluated: 2025-12-22. Review status: criteria provided, single submitter. Criteria: Invitae Variant Classification Sherloc (09022015). Collection method: clinical testing. Allele origin: germline.

GeneDx
Classification: Likely benign. Last evaluated: 2017-09-08. Review status: criteria provided, single submitter. Criteria: GeneDx Variant Classification (06012015). Collection method: clinical testing. Allele origin: germline. Affected: yes.
Comment: This variant is considered likely benign or benign based on one or more of the following criteria: it is a conservative change, it occurs at a poorly conserved position in the protein, it is predicted to be benign by multiple in silico algorithms, and/or has population frequency not consistent with disease.

Laboratory for Molecular Medicine, Mass General Brigham Personalized Medicine
Classification: Likely benign. Last evaluated: 2015-04-04. Review status: criteria provided, single submitter. Criteria: LMM Criteria. Collection method: clinical testing. Allele origin: germline. Observed: 2 variant alleles.
Comment: c.91+14T>C in intron 2 of TTN: This variant is not expected to have clinical sig nificance because it is not located within the splice consensus sequence. It has been identified in 1/11006 Latino chromosomes by the Exome Aggregation Consorti um (ExAC; dbSNP rs397517777).

Literature cited by the submitters: PubMed 24503780 (cited by Women's Health and Genetics/Laboratory Corporation of America, LabCorp).

NM_001267550.2(TTN):c.91+14T>C

Gene: TTN (titin; minus strand). Cytogenetic location: 2q31.2.
Variant type: single nucleotide variant.
Coding change: c.91+14T>C on transcript NM_001267550.2 (MANE Select); 14 bases into the intron after coding-DNA position 91, T replaced by C.
Molecular consequence: intron variant.
Genome position (GRCh38, 1-based): chr2:178,804,538, A>G on the plus strand (T>C on the coding strand, the complement: TTN is on the minus strand). VCF-style: chr2-178804538-A-G. GRCh37 (hg19) VCF-style: chr2-179669265-A-G.
Other names: c.91+14T>C (NM_133378.4, NM_001256850.1, NM_003319.4 and 3 more transcripts).
Identifiers: ClinVar variation 47606 (VCV000047606.14), dbSNP rs397517777, ClinGen allele CA141488.
Genomic context (GRCh38, chr2:178,804,538, plus strand): 5'-GTCCTGCAGCAACGTTAACTTACTGGAGAGGAGGCAAAGGAAAAAAAAACAAAAGTGTGA[A>G]TGTGTGAGCTTACCACTAATGTGAGCCTCAAAGGTTGCGGTACTACCCTCCAGTACCACA-3'